The following is an entry in ClinVar:

NM_004260.4(RECQL4):c.433_448del (p.Thr145fs)

Gene: RECQL4 (RecQ like helicase 4; minus strand). Cytogenetic location: 8q24.3.
Variant type: Deletion.
Coding change: c.433_448del on transcript NM_004260.4 (MANE Select); coding-DNA positions 433 to 448, 16 bases deleted (ACAGGGCCTGTCCCCT).
Protein change: p.Thr145fs; shifts the reading frame from threonine 145.
Molecular consequence: frameshift variant. On other transcripts: 5 prime UTR variant (12), non-coding transcript variant (3), intron variant (5), splice donor variant (1).
Genome position (GRCh38, 1-based): chr8:144,516,671-144,516,686, AGGGGACAGGCCCTGT deleted on the plus strand (ACAGGGCCTGTCCCCT on the coding strand, the reverse complement: RECQL4 is on the minus strand); deleting any 16 consecutive bases within chr8:144,516,671-144,516,687 gives the same sequence; the c. name uses the placement nearest the transcript's 3' end. VCF-style (leftmost placement, unchanged base first): chr8-144516670-GAGGGGACAGGCCCTGT-G. GRCh37 (hg19) VCF-style: chr8-145742054-GAGGGGACAGGCCCTGT-G.
Other names: c.433_448del, p.Thr145fs (NM_001413017.1, NM_001413018.1, NM_001413019.1 and 4 more transcripts); c.-639_-624del (NM_001413022.1, NM_001413023.1, NM_001413037.1 and 3 more transcripts); c.304_319del, p.Thr102fs (NM_001413025.1); c.-701_-686del (NM_001413027.1, NM_001413030.1, NM_001413031.1 and 1 more transcripts); c.-543_-528del (NM_001413034.1); c.-908_-893del (NM_001413043.1); c.355-273_355-258del (NM_001413029.1); c.-676-25_-676-10del (NM_001413032.1); and 3 more; short protein forms T102fs, T145fs.
Identifiers: ClinVar variation 3344933 (VCV003344933.1).

ClinVar aggregate classification (germline): Likely pathogenic (0 of 4 stars; one submission).

Conditions:
RECQL4-related disorder. Also called: RECQL4-related condition; RECQL4-related disorders.

Submission:

PreventionGenetics, part of Exact Sciences
Classification: Likely pathogenic for RECQL4-related condition. Last evaluated: 2024-08-29. Review status: no assertion criteria provided. Collection method: clinical testing. Allele origin: germline.
Comment: The RECQL4 c.433_448del16 variant is predicted to result in a frameshift and premature protein termination (p.Thr145Profs*30). To our knowledge, this variant has not been reported in the literature or in a large population database, indicating this variant is rare. Frameshift variants in RECQL4 are expected to be pathogenic. This variant is interpreted as likely pathogenic.